The following is an entry in ClinVar:

ClinVar aggregate classification (germline): Likely benign. Review status: criteria provided, multiple submitters, no conflicts (2 of 4 stars). 2 submissions from 2 submitters: Likely benign (2). Last evaluated 2025-12-15.

Conditions:
Progressive sclerosing poliodystrophy (MTDPS4A). Also called: Alpers-Huttenlocher Syndrome (AHS); Alpers Syndrome; ALPERS PROGRESSIVE INFANTILE POLIODYSTROPHY; Mitochondrial DNA depletion syndrome 4A (Alpers type); ALPERS DIFFUSE DEGENERATION OF CEREBRAL GRAY MATTER WITH HEPATIC CIRRHOSIS; Alpers-Huttenlocher Syndrome. Identifiers: Orphanet 726, MedGen C0205710, MONDO:0008758, OMIM 203700.

Allele frequency attached by ClinVar (database versions not stated): TOPMed 0.00001.
gnomAD v4.1: 17 of 1,555,102 alleles (0.0011%); highest among the groups gnomAD compares: Admixed American, 0.0084%; no homozygotes.

Submissions (2):

Labcorp Genetics (formerly Invitae), Labcorp
Classification: Likely benign for Progressive sclerosing poliodystrophy. Last evaluated: 2025-12-15. Review status: criteria provided, single submitter. Criteria: Invitae Variant Classification Sherloc (09022015). Collection method: clinical testing. Allele origin: germline.

Wong Mito Lab, Molecular and Human Genetics, Baylor College of Medicine
Classification: Likely benign for Progressive sclerosing poliodystrophy. Last evaluated: 2018-10-01. Review status: criteria provided, single submitter. Criteria: ACMG Guidelines, 2015. Collection method: clinical testing. Allele origin: germline.
Comment: The NM_002693.2:c.2265+15A>G (NP_002684.1:p.=) [GRCH38: NC_000015.10:g.89323389T>C] variant in POLG gene is interpretated to be a Likely Benign based on ACMG guidelines (PMID: 25741868). This variant meets the following evidence codes reported in the ACMG-guideline. BP4:Computational evidence/predictors indicate no impact on the POLG structure, function, or protein-protein interaction. BP6:Reputable source(s) without shared data suggest the variant is benign. Based on the evidence criteria codes applied, the variant is suggested to be Likely Benign.

NM_002693.3(POLG):c.2265+15A>G

Gene: POLG (DNA polymerase gamma, catalytic subunit; minus strand). Cytogenetic location: 15q26.1.
Variant type: single nucleotide variant.
Coding change: c.2265+15A>G on transcript NM_002693.3 (MANE Select); 15 bases into the intron after coding-DNA position 2265, A replaced by G.
Molecular consequence: intron variant.
Genome position (GRCh38, 1-based): chr15:89,323,389, T>C on the plus strand (A>G on the coding strand, the complement: POLG is on the minus strand). VCF-style: chr15-89323389-T-C. GRCh37 (hg19) VCF-style: chr15-89866620-T-C.
Other names: c.2265+15A>G (NM_001126131.2).
Identifiers: ClinVar variation 619466 (VCV000619466.6), dbSNP rs747993559, ClinGen allele CA10602221.